The following is an entry in ClinVar:

NM_002691.4(POLD1):c.1670C>T (p.Ser557Phe)

Gene: POLD1 (DNA polymerase delta 1, catalytic subunit; plus strand). Cytogenetic location: 19q13.33.
Variant type: single nucleotide variant.
Coding change: c.1670C>T on transcript NM_002691.4 (MANE Select); coding-DNA position 1670, C replaced by T.
Protein change: p.Ser557Phe; replaces serine 557 with phenylalanine.
Molecular consequence: missense variant. On other transcripts: non-coding transcript variant (1).
Genome position (GRCh38, 1-based): chr19:50,407,158, C>T. VCF-style: chr19-50407158-C-T. GRCh37 (hg19) VCF-style: chr19-50910415-C-T.
Other names: c.1670C>T, p.Ser557Phe (NM_001256849.1, NM_001308632.1); short protein forms S557F.
Identifiers: ClinVar variation 1024706 (VCV001024706.11), dbSNP rs1239843769, ClinGen allele CA406981096.

ClinVar aggregate classification (germline): Uncertain significance. Review status: criteria provided, multiple submitters, no conflicts (2 of 4 stars). 2 submissions from 2 submitters: Uncertain significance (2). Last evaluated 2025-07-29.

Conditions:
Hereditary cancer-predisposing syndrome. Also called: Tumor predisposition; Hereditary Cancer Syndrome; Hereditary neoplastic syndrome; Neoplastic Syndromes, Hereditary. Identifiers: Orphanet 140162, MedGen C0027672, MeSH D009386, MONDO:0015356.
POLD1-related polyposis and colorectal cancer syndrome (CRCS10). Also called: Colorectal cancer 10; COLORECTAL CANCER, SUSCEPTIBILITY TO, ON CHROMOSOME 19q; Colorectal cancer, susceptibility to, 10. Identifiers: Orphanet 220460, MedGen C2675481, MONDO:0012953, OMIM 612591.

Allele frequency attached by ClinVar (database versions not stated): gnomAD exomes below 0.00001.

Submissions (2):

Labcorp Genetics (formerly Invitae), Labcorp
Classification: Uncertain significance for POLD1-related polyposis and colorectal cancer syndrome. Last evaluated: 2025-07-29. Review status: criteria provided, single submitter. Criteria: Invitae Variant Classification Sherloc (09022015). Collection method: clinical testing. Allele origin: germline.
Comment: This sequence change replaces serine, which is neutral and polar, with phenylalanine, which is neutral and non-polar, at codon 557 of the POLD1 protein (p.Ser557Phe). This variant is present in population databases (no rsID available, gnomAD 0.0009%). This variant has not been reported in the literature in individuals affected with POLD1-related conditions. ClinVar contains an entry for this variant (Variation ID: 1024706). Invitae Evidence Modeling of protein sequence and biophysical properties (such as structural, functional, and spatial information, amino acid conservation, physicochemical variation, residue mobility, and thermodynamic stability) indicates that this missense variant is expected to disrupt POLD1 protein function with a positive predictive value of 80%. In summary, the available evidence is currently insufficient to determine the role of this variant in disease. Therefore, it has been classified as a Variant of Uncertain Significance.

Ambry Genetics
Classification: Uncertain significance for Hereditary cancer-predisposing syndrome. Last evaluated: 2024-02-24. Review status: criteria provided, single submitter. Criteria: Ambry Variant Classification Scheme 2023. Collection method: clinical testing. Allele origin: germline.
Comment: The p.S557F variant (also known as c.1670C>T), located in coding exon 12 of the POLD1 gene, results from a C to T substitution at nucleotide position 1670. The serine at codon 557 is replaced by phenylalanine, an amino acid with highly dissimilar properties. This amino acid position is conserved. In addition, this alteration is predicted to be deleterious by in silico analysis. Since supporting evidence is limited at this time, the clinical significance of this alteration remains unclear.